The following is an entry in ClinVar:

ClinVar aggregate classification (germline): Uncertain significance (1 of 4 stars; one submission).

Conditions:
Familial melanoma. Also called: Hereditary melanoma; Hereditary cutaneous melanoma. Identifiers: Orphanet 618, MedGen C1512419, MONDO:0018961.

Submission:

Labcorp Genetics (formerly Invitae), Labcorp
Classification: Uncertain significance for Familial melanoma. Last evaluated: 2020-08-04. Review status: criteria provided, single submitter. Criteria: Invitae Variant Classification Sherloc (09022015). Collection method: clinical testing. Allele origin: germline.
Comment: This variant results in a copy number gain of the genomic region encompassing exon 1 of the CDKN2A (p16INK4a) gene, which includes the initiator codon. The 5' end of this event is unknown as it extends beyond the assayed region for this gene and therefore may encompass additional genes. The 3' boundary is likely confined to intron 1 of the CDKN2A (p16INK4a) gene. As the precise location of this event is unknown, it may be in tandem or it may be located elsewhere in the genome. This variant has not been reported in the literature in individuals with CDKN2A (p16INK4a)-related conditions. Experimental studies and prediction algorithms are not available or were not evaluated, and the functional significance of this variant is currently unknown. In summary, the available evidence is currently insufficient to determine the role of this variant in disease. Therefore, it has been classified as a Variant of Uncertain Significance.

NC_000009.11:g.(?_21974667)_(21974875_?)dup

Gene: CDKN2A (cyclin dependent kinase inhibitor 2A; minus strand). Cytogenetic location: 9p21.3.
Variant type: Duplication.
Identifiers: ClinVar variation 1060882 (VCV001060882.1).